The following is an entry in ClinVar:

NM_000210.4(ITGA6):c.1096C>A (p.Pro366Thr)

Genes: ITGA6 (integrin subunit alpha 6; plus strand), PDK1-AS1 (PDK1 and ITGA6 antisense RNA 1; minus strand). Cytogenetic location: 2q31.1.
Variant type: single nucleotide variant.
Coding change: c.1096C>A on transcript NM_000210.4 (MANE Select); coding-DNA position 1096, C replaced by A.
Protein change: p.Pro366Thr; replaces proline 366 with threonine.
Molecular consequence: missense variant.
Genome position (GRCh38, 1-based): chr2:172,475,038, C>A. VCF-style: chr2-172475038-C-A. GRCh37 (hg19) VCF-style: chr2-173339766-C-A.
Other names: c.1096C>A, p.Pro366Thr (NM_001079818.3, NM_001365529.2, NM_001365530.2); c.739C>A, p.Pro247Thr (NM_001316306.2); c.1213C>A, p.Pro405Thr (NM_001394928.1); short protein forms P405T, P366T, P247T.
Identifiers: ClinVar variation 1932128 (VCV001932128.2), dbSNP rs765521638, ClinGen allele CA1968036.

ClinVar aggregate classification (germline): Uncertain significance (1 of 4 stars; one submission).

Allele frequency attached by ClinVar (database versions not stated): ExAC 0.00001; TOPMed 0.00001.
gnomAD v4.1: 10 of 1,606,296 alleles (0.00062%); highest among the groups gnomAD compares: Admixed American, 0.0017%; no homozygotes.

Submission:

Labcorp Genetics (formerly Invitae), Labcorp
Classification: Uncertain significance. Last evaluated: 2022-06-14. Review status: criteria provided, single submitter. Criteria: Invitae Variant Classification Sherloc (09022015). Collection method: clinical testing. Allele origin: germline.
Comment: This sequence change replaces proline, which is neutral and non-polar, with threonine, which is neutral and polar, at codon 366 of the ITGA6 protein (p.Pro366Thr). This variant is present in population databases (rs765521638, gnomAD 0.004%). This variant has not been reported in the literature in individuals affected with ITGA6-related conditions. Algorithms developed to predict the effect of missense changes on protein structure and function are either unavailable or do not agree on the potential impact of this missense change (SIFT: "Tolerated"; PolyPhen-2: "Probably Damaging"; Align-GVGD: "Class C0"). In summary, the available evidence is currently insufficient to determine the role of this variant in disease. Therefore, it has been classified as a Variant of Uncertain Significance.